The following is an entry in ClinVar:

ClinVar aggregate classification (germline): Uncertain significance (1 of 4 stars; one submission).

Conditions:
Fanconi anemia complementation group J. Also called: BRIP1-Related Fanconi Anemia. Identifiers: Orphanet 84, MedGen C1836860, MONDO:0012187, OMIM 609054.
Familial cancer of breast. Also called: BREAST CANCER, FAMILIAL; Hereditary breast cancer; hereditary breast carcinoma. Identifiers: Orphanet 227535, MedGen C0346153, MONDO:0016419, OMIM 114480. Disease mechanism: loss of function.

Submission:

Labcorp Genetics (formerly Invitae), Labcorp
Classification: Uncertain significance for Familial cancer of breast; Fanconi anemia complementation group J. Last evaluated: 2024-11-18. Review status: criteria provided, single submitter. Criteria: Invitae Variant Classification Sherloc (09022015). Collection method: clinical testing. Allele origin: germline.
Comment: This sequence change replaces histidine, which is basic and polar, with leucine, which is neutral and non-polar, at codon 639 of the BRIP1 protein (p.His639Leu). This variant is not present in population databases (gnomAD no frequency). This variant has not been reported in the literature in individuals affected with BRIP1-related conditions. Invitae Evidence Modeling of protein sequence and biophysical properties (such as structural, functional, and spatial information, amino acid conservation, physicochemical variation, residue mobility, and thermodynamic stability) has been performed for this missense variant. However, the output from this modeling did not meet the statistical confidence thresholds required to predict the impact of this variant on BRIP1 protein function. In summary, the available evidence is currently insufficient to determine the role of this variant in disease. Therefore, it has been classified as a Variant of Uncertain Significance.

NM_032043.3(BRIP1):c.1916A>T (p.His639Leu)

Gene: BRIP1 (BRCA1 interacting DNA helicase 1; minus strand). Cytogenetic location: 17q23.2.
Variant type: single nucleotide variant.
Coding change: c.1916A>T on transcript NM_032043.3 (MANE Select); coding-DNA position 1916, A replaced by T.
Protein change: p.His639Leu; replaces histidine 639 with leucine.
Molecular consequence: missense variant.
Genome position (GRCh38, 1-based): chr17:61,780,280, T>A on the plus strand (A>T on the coding strand, the complement: BRIP1 is on the minus strand). VCF-style: chr17-61780280-T-A. GRCh37 (hg19) VCF-style: chr17-59857641-T-A.
Other names: short protein forms H639L.
Identifiers: ClinVar variation 3759043 (VCV003759043.2).